The following is an entry in ClinVar:

NM_000071.3(CBS):c.1467+255A>G

Gene: CBS (cystathionine beta-synthase; minus strand). Cytogenetic location: 21q22.3.
Variant type: single nucleotide variant.
Coding change: c.1467+255A>G on transcript NM_000071.3 (MANE Select); 255 bases into the intron after coding-DNA position 1467, A replaced by G.
Molecular consequence: intron variant.
Genome position (GRCh38, 1-based): chr21:43,057,890, T>C on the plus strand (A>G on the coding strand, the complement: CBS is on the minus strand). VCF-style: chr21-43057890-T-C. GRCh37 (hg19) VCF-style: chr21-44478000-T-C.
Other names: c.1467+255A>G (NM_001320298.2, NM_001178009.3, NM_001178008.3); c.1152+255A>G (NM_001321072.1).
Identifiers: ClinVar variation 683312 (VCV000683312.1), dbSNP rs234703, ClinGen allele CA321687160.

ClinVar aggregate classification (germline): Benign (1 of 4 stars; one submission).

Allele frequency attached by ClinVar (database versions not stated): gnomAD 0.54417; 1000 Genomes Project 0.76258.

Submission:

GeneDx
Classification: Benign. Last evaluated: 2018-06-18. Review status: criteria provided, single submitter. Criteria: GeneDx Variant Classification (06012015). Collection method: clinical testing. Allele origin: germline. Affected: yes.
Comment: This variant is considered likely benign or benign based on one or more of the following criteria: it is a conservative change, it occurs at a poorly conserved position in the protein, it is predicted to be benign by multiple in silico algorithms, and/or has population frequency not consistent with disease.